The following is an entry in ClinVar:

ClinVar aggregate classification (germline): Uncertain significance. Review status: criteria provided, multiple submitters, no conflicts (2 of 4 stars). 2 submissions from 2 submitters: Uncertain significance (2). Last evaluated 2022-09-13.

Conditions:
Developmental and epileptic encephalopathy, 36 (DEE36). Also called: Congenital disorder of glycosylation, type Is; Epileptic encephalopathy, early infantile, 36; ALG13-CDG. Identifiers: Orphanet 324422, MedGen C4317295, MONDO:0010472, OMIM 300884.

Allele frequency attached by ClinVar (database versions not stated): gnomAD exomes 0.00001 and 0.00002; TOPMed 0.00002; gnomAD 0.00003.
gnomAD v4.1: 18 of 1,200,471 alleles (0.0015%); highest among the groups gnomAD compares: African/African-American, 0.0053%; no homozygotes.

Submissions (3):

Labcorp Genetics (formerly Invitae), Labcorp
Classification: Uncertain significance for Developmental and epileptic encephalopathy, 36. Last evaluated: 2022-09-13. Review status: criteria provided, single submitter. Criteria: Invitae Variant Classification Sherloc (09022015). Collection method: clinical testing. Allele origin: germline.
Comment: This sequence change replaces glycine, which is neutral and non-polar, with serine, which is neutral and polar, at codon 896 of the ALG13 protein (p.Gly896Ser). This variant is present in population databases (no rsID available, gnomAD 0.01%). This variant has not been reported in the literature in individuals affected with ALG13-related conditions. Advanced modeling of protein sequence and biophysical properties (such as structural, functional, and spatial information, amino acid conservation, physicochemical variation, residue mobility, and thermodynamic stability) performed at Invitae indicates that this missense variant is not expected to disrupt ALG13 protein function. Algorithms developed to predict the effect of sequence changes on RNA splicing suggest that this variant may create or strengthen a splice site. In summary, the available evidence is currently insufficient to determine the role of this variant in disease. Therefore, it has been classified as a Variant of Uncertain Significance.

Fulgent Genetics
Classification: Uncertain significance for Developmental and epileptic encephalopathy, 36. Last evaluated: 2022-03-01. Review status: criteria provided, single submitter. Criteria: ACMG Guidelines, 2015. Collection method: clinical testing. Allele origin: unknown.

Dr. Peter K. Rogan Lab, Western University
No classification provided (evidence only). Condition: Thyroid cancer, nonmedullary, 1. Review status: no classification provided. Collection method: in vitro. Allele origin: not applicable. Functional consequence: retained intron. Not counted in ClinVar's aggregate classification.

NM_001099922.3(ALG13):c.2686G>A (p.Gly896Ser)

Gene: ALG13 (ALG13 UDP-N-acetylglucosaminyltransferase subunit; plus strand). Cytogenetic location: Xq23.
Variant type: single nucleotide variant.
Coding change: c.2686G>A on transcript NM_001099922.3 (MANE Select); coding-DNA position 2686, G replaced by A.
Protein change: p.Gly896Ser; replaces glycine 896 with serine.
Molecular consequence: missense variant. On other transcripts: non-coding transcript variant (1).
Genome position (GRCh38, 1-based): chrX:111,736,870, G>A. VCF-style: chrX-111736870-G-A. GRCh37 (hg19) VCF-style: chrX-110980098-G-A.
Other names: c.2374G>A, p.Gly792Ser (NM_001257230.2, NM_001257234.2, NM_001257237.2); c.2452G>A, p.Gly818Ser (NM_001257231.2); c.2686G>A, p.Gly896Ser (NM_001324292.2); c.2200G>A, p.Gly734Ser (NM_001324293.1); short protein forms G792S, G896S, G734S, G818S.
Identifiers: ClinVar variation 540336 (VCV000540336.8), dbSNP rs972892187, ClinGen allele CA334445216.